The following is an entry in ClinVar:

NM_000368.5(TSC1):c.2821C>T (p.Leu941=)

Gene: TSC1 (TSC complex subunit 1; minus strand). Cytogenetic location: 9q34.13.
Variant type: single nucleotide variant.
Coding change: c.2821C>T on transcript NM_000368.5 (MANE Select); coding-DNA position 2821, C replaced by T.
Protein change: p.Leu941=; no amino-acid change (leucine 941 retained).
Molecular consequence: synonymous variant.
Genome position (GRCh38, 1-based): chr9:132,897,338, G>A on the plus strand (C>T on the coding strand, the complement: TSC1 is on the minus strand). VCF-style: chr9-132897338-G-A. GRCh37 (hg19) VCF-style: chr9-135772725-G-A.
Other names: c.2818C>T, p.Leu940= (NM_001162426.2); c.2668C>T, p.Leu890= (NM_001162427.2); c.2458C>T, p.Leu820= (NM_001362177.2); c.2821C>T (NM_000368.4).
Identifiers: ClinVar variation 1129922 (VCV001129922.10), dbSNP rs2131628647, ClinGen allele CA467812707.

ClinVar aggregate classification (germline): Conflicting classifications of pathogenicity. Review status: criteria provided, conflicting classifications (1 of 4 stars). 2 submissions from 2 submitters: Uncertain significance (1); Likely benign (1). Last evaluated 2024-09-16.

Conditions:
Hereditary cancer-predisposing syndrome. Also called: Neoplastic Syndromes, Hereditary; Tumor predisposition; Hereditary Cancer Syndrome; Hereditary neoplastic syndrome. Identifiers: Orphanet 140162, MedGen C0027672, MeSH D009386, MONDO:0015356.
Tuberous sclerosis 1 (TSC1). Identifiers: Orphanet 805, MedGen C1854465, MONDO:0008612, OMIM 191100.

Allele frequency attached by ClinVar (database versions not stated): gnomAD exomes below 0.00001.
gnomAD v4.1: 2 of 1,614,190 alleles (0.00012%); highest among the groups gnomAD compares: Non-Finnish European, 0.00017%; no homozygotes.

Submissions (2):

Ambry Genetics
Classification: Uncertain significance for Hereditary cancer-predisposing syndrome. Last evaluated: 2024-09-16. Review status: criteria provided, single submitter. Criteria: Ambry Variant Classification Scheme 2023. Collection method: clinical testing. Allele origin: germline.
Comment: The c.2821C>T variant (also known as p.L941L), located in coding exon 20 of the TSC1 gene, results from a C to T substitution at nucleotide position 2821. This nucleotide substitution does not change the leucine at codon 941. This nucleotide position is well conserved in available vertebrate species. In silico splice site analysis for this alteration is inconclusive, and direct evidence is insufficient at this time (Ambry internal data). Based on the available evidence, the clinical significance of this variant remains unclear.

Labcorp Genetics (formerly Invitae), Labcorp
Classification: Likely benign for Tuberous sclerosis 1. Last evaluated: 2019-12-01. Review status: criteria provided, single submitter. Criteria: Invitae Variant Classification Sherloc (09022015). Collection method: clinical testing. Allele origin: germline.